The following is an entry in ClinVar:

NM_003924.4(PHOX2B):c.187G>A (p.Gly63Arg)

Genes: PHOX2B (paired like homeobox 2B; minus strand), PHOX2B-AS1 (PHOX2B antisense RNA 1; plus strand). Cytogenetic location: 4p13.
Variant type: single nucleotide variant.
Coding change: c.187G>A on transcript NM_003924.4 (MANE Select); coding-DNA position 187, G replaced by A.
Protein change: p.Gly63Arg; replaces glycine 63 with arginine.
Molecular consequence: missense variant. On other transcripts: non-coding transcript variant (1).
Genome position (GRCh38, 1-based): chr4:41,748,424, C>T on the plus strand (G>A on the coding strand, the complement: PHOX2B is on the minus strand). VCF-style: chr4-41748424-C-T. GRCh37 (hg19) VCF-style: chr4-41750441-C-T.
Other names: short protein forms G63R.
Identifiers: ClinVar variation 3373686 (VCV003373686.2).

ClinVar aggregate classification (germline): Uncertain significance. Review status: criteria provided, multiple submitters, no conflicts (2 of 4 stars). 2 submissions from 2 submitters: Uncertain significance (2). Last evaluated 2026-07-07.

Conditions:
Hereditary cancer-predisposing syndrome. Also called: Tumor predisposition; Hereditary Cancer Syndrome; Hereditary neoplastic syndrome; Neoplastic Syndromes, Hereditary. Identifiers: Orphanet 140162, MedGen C0027672, MeSH D009386, MONDO:0015356.

Submissions (2):

Ambry Genetics
Classification: Uncertain significance for Hereditary cancer-predisposing syndrome. Last evaluated: 2026-07-07. Review status: criteria provided, single submitter. Criteria: Ambry Variant Classification Scheme 2023. Collection method: clinical testing. Allele origin: germline.
Comment: The p.G63R variant (also known as c.187G>A), located in coding exon 1 of the PHOX2B gene, results from a G to A substitution at nucleotide position 187. The glycine at codon 63 is replaced by arginine, an amino acid with dissimilar properties. This amino acid position is conserved. In addition, this alteration is predicted to be deleterious by in silico analysis. Based on the available evidence, the clinical significance of this variant remains unclear.

GeneDx
Classification: Uncertain significance. Last evaluated: 2024-03-07. Review status: criteria provided, single submitter. Criteria: GeneDx Variant Classification Process June 2021. Collection method: clinical testing. Allele origin: germline. Affected: yes.
Comment: Not observed at significant frequency in large population cohorts (gnomAD); In silico analysis supports that this missense variant has a deleterious effect on protein structure/function; Has not been previously published as pathogenic or benign to our knowledge